The following is an entry in ClinVar:

ClinVar aggregate classification (germline): Uncertain significance. Review status: criteria provided, multiple submitters, no conflicts (2 of 4 stars). 2 submissions from 2 submitters: Uncertain significance (2). Last evaluated 2024-10-02.

Allele frequency attached by ClinVar (database versions not stated): TOPMed 0.00001; gnomAD exomes 0.00007; ExAC 0.00015; gnomAD 0.00015; 1000 Genomes Project 30x 0.00016; 1000 Genomes Project 0.00020.

Submissions (2):

Blueprint Genetics
Classification: Uncertain significance. Last evaluated: 2024-10-02. Review status: criteria provided, single submitter. Criteria: ACMG Guidelines, 2015. Collection method: clinical testing. Allele origin: germline.

Labcorp Genetics (formerly Invitae), Labcorp
Classification: Uncertain significance. Last evaluated: 2022-09-01. Review status: criteria provided, single submitter. Criteria: Invitae Variant Classification Sherloc (09022015). Collection method: clinical testing. Allele origin: germline.
Comment: This sequence change replaces serine, which is neutral and polar, with leucine, which is neutral and non-polar, at codon 186 of the ECHS1 protein (p.Ser186Leu). This variant is present in population databases (rs200293355, gnomAD 0.1%). This missense change has been observed in individual(s) with Leigh syndrome (PMID: 32677908). Advanced modeling of protein sequence and biophysical properties (such as structural, functional, and spatial information, amino acid conservation, physicochemical variation, residue mobility, and thermodynamic stability) performed at Invitae indicates that this missense variant is expected to disrupt ECHS1 protein function. In summary, the available evidence is currently insufficient to determine the role of this variant in disease. Therefore, it has been classified as a Variant of Uncertain Significance.

Literature cited by the submitters: PubMed 32677908 (cited by Labcorp Genetics (formerly Invitae), Labcorp).

NM_004092.4(ECHS1):c.557C>T (p.Ser186Leu)

Gene: ECHS1 (enoyl-CoA hydratase, short chain 1; minus strand). Cytogenetic location: 10q26.3.
Variant type: single nucleotide variant.
Coding change: c.557C>T on transcript NM_004092.4 (MANE Select); coding-DNA position 557, C replaced by T.
Protein change: p.Ser186Leu; replaces serine 186 with leucine.
Molecular consequence: missense variant.
Genome position (GRCh38, 1-based): chr10:133,366,951, G>A on the plus strand (C>T on the coding strand, the complement: ECHS1 is on the minus strand). VCF-style: chr10-133366951-G-A. GRCh37 (hg19) VCF-style: chr10-135180455-G-A.
Other names: short protein forms S186L.
Identifiers: ClinVar variation 1902616 (VCV001902616.3), dbSNP rs200293355, ClinGen allele CA5765727.
Genomic context (GRCh38, chr10:133,366,951, plus strand): 5'-GCTTGCTTGGCGTCCTGGGCTGAGATCCGGTCACCAGTGAGGACCATCTCCATCGCCAGC[G>A]ACTTCCCAACAGCACGGGTGAGTCTCTGGGTGCCGCCCGCACCTGCAGGGAGGGGCTGGT-3'
Protein context (NP_004083.3, residues 176-196): TQRLTRAVGK[Ser186Leu]LAMEMVLTGD